The following is an entry in ClinVar:

ClinVar aggregate classification (germline): Uncertain significance (1 of 4 stars; one submission).

Conditions:
CENPE-related disorder. Also called: CENPE-related condition.

Allele frequency attached by ClinVar (database versions not stated): gnomAD 0.00001; gnomAD exomes 0.00001; TOPMed 0.00006.
gnomAD v4.1: 26 of 1,611,136 alleles (0.0016%); highest among the groups gnomAD compares: Admixed American, 0.03%; 1 homozygote.

Submission:

PreventionGenetics, part of Exact Sciences
Classification: Uncertain significance for CENPE-related condition. Last evaluated: 2022-08-25. Review status: criteria provided, single submitter. Criteria: ACMG Guidelines, 2015. Collection method: clinical testing. Allele origin: germline.
Comment: The CENPE c.2226A>T variant is predicted to result in the amino acid substitution p.Glu742Asp. To our knowledge, this variant has not been reported in the literature. This variant is reported in 0.044% of alleles in individuals of Latino descent in gnomAD. At this time, the clinical significance of this variant is uncertain due to the absence of conclusive functional and genetic evidence.

NM_001813.3(CENPE):c.2226A>T (p.Glu742Asp)

Gene: CENPE (centromere protein E; minus strand). Cytogenetic location: 4q24.
Variant type: single nucleotide variant.
Coding change: c.2226A>T on transcript NM_001813.3 (MANE Select); coding-DNA position 2226, A replaced by T.
Protein change: p.Glu742Asp; replaces glutamic acid 742 with aspartic acid.
Molecular consequence: missense variant.
Genome position (GRCh38, 1-based): chr4:103,160,685, T>A on the plus strand (A>T on the coding strand, the complement: CENPE is on the minus strand). VCF-style: chr4-103160685-T-A. GRCh37 (hg19) VCF-style: chr4-104081842-T-A.
Other names: c.2151A>T, p.Glu717Asp (NM_001286734.2); short protein forms E717D, E742D.
Identifiers: ClinVar variation 2629431 (VCV002629431.1), dbSNP rs182744810, ClinGen allele CA3030333.